The following is an entry in ClinVar:

NM_000492.4(CFTR):c.3509C>G (p.Pro1170Arg)

Genes: CFTR (CF transmembrane conductance regulator; plus strand), CFTR-AS2 (CFTR antisense RNA 2; minus strand). Cytogenetic location: 7q31.2.
Variant type: single nucleotide variant.
Coding change: c.3509C>G on transcript NM_000492.4 (MANE Select); coding-DNA position 3509, C replaced by G.
Protein change: p.Pro1170Arg; replaces proline 1170 with arginine.
Molecular consequence: missense variant.
Genome position (GRCh38, 1-based): chr7:117,627,562, C>G. VCF-style: chr7-117627562-C-G. GRCh37 (hg19) VCF-style: chr7-117267616-C-G.
Other names: short protein forms P1170R.
Identifiers: ClinVar variation 3491593 (VCV003491593.1).

ClinVar aggregate classification (germline): Uncertain significance (1 of 4 stars; one submission).

Conditions:
Cystic fibrosis (CF). Also called: MUCOVISCIDOSIS. Identifiers: Orphanet 586, MedGen C0010674, MONDO:0009061, OMIM 219700. Disease mechanism: loss of function.

Submission:

Ambry Genetics
Classification: Uncertain significance for Cystic fibrosis. Last evaluated: 2024-10-13. Review status: criteria provided, single submitter. Criteria: Ambry Variant Classification Scheme 2023. Collection method: clinical testing. Allele origin: germline.
Comment: The p.P1170R variant (also known as c.3509C>G), located in coding exon 22 of the CFTR gene, results from a C to G substitution at nucleotide position 3509. The proline at codon 1170 is replaced by arginine, an amino acid with dissimilar properties. This amino acid position is conserved. In addition, the in silico prediction for this alteration is inconclusive. Based on the available evidence, the clinical significance of this variant remains unclear.